The following is an entry in ClinVar:

NM_206933.4(USH2A):c.3015del (p.Leu1006fs)

Genes: USH2A (usherin; minus strand), USH2A-AS1 (USH2A antisense RNA 1; plus strand). Cytogenetic location: 1q41.
Variant type: Deletion.
Coding change: c.3015del on transcript NM_206933.4 (MANE Select); coding-DNA position 3015, one base deleted (T; older notation c.3015delT).
Protein change: p.Leu1006fs; shifts the reading frame from leucine 1006.
Molecular consequence: frameshift variant.
Genome position (GRCh38, 1-based): chr1:216,217,529, A deleted on the plus strand (T on the coding strand, the reverse complement: USH2A is on the minus strand). VCF-style (leftmost placement, unchanged base first): chr1-216217528-GA-G. GRCh37 (hg19) VCF-style: chr1-216390870-GA-G.
Other names: c.3015del, p.Leu1006fs (NM_007123.6); short protein forms L1006fs.
Identifiers: ClinVar variation 2034369 (VCV002034369.4), dbSNP rs2528087981, ClinGen allele CA2580062155.
Genomic context (GRCh38, chr1:216,217,528, plus strand): 5'-ATTGTTTACAGAAACACTGGCCTGTGACCAAGTGACAGGTTTCATTCAAGGCTCCTGAGA[GA>G]TGACAATTACAAGGCTGACATCTGAAAACAAGGCAAATAAACCATCAAAGAGAATAGTGT-3'

ClinVar aggregate classification (germline): Pathogenic (1 of 4 stars; one submission).

Submission:

Labcorp Genetics (formerly Invitae), Labcorp
Classification: Pathogenic. Last evaluated: 2022-10-07. Review status: criteria provided, single submitter. Criteria: Invitae Variant Classification Sherloc (09022015). Collection method: clinical testing. Allele origin: germline.
Comment: For these reasons, this variant has been classified as Pathogenic. Algorithms developed to predict the effect of sequence changes on RNA splicing suggest that this variant may disrupt the consensus splice site. This variant has not been reported in the literature in individuals affected with USH2A-related conditions. This variant is not present in population databases (gnomAD no frequency). This sequence change creates a premature translational stop signal (p.Leu1006Serfs*5) in the USH2A gene. It is expected to result in an absent or disrupted protein product. Loss-of-function variants in USH2A are known to be pathogenic (PMID: 10729113, 10909849, 20507924, 25649381).

Literature cited by the submitters: PubMed 10729113; PubMed 10909849; PubMed 20507924; PubMed 25649381.